The following is an entry in ClinVar:

ClinVar aggregate classification (germline): Uncertain significance (1 of 4 stars; one submission).

Conditions:
SH2B1-related disorder. Also called: SH2B1-related condition.

Submission:

PreventionGenetics, part of Exact Sciences
Classification: Uncertain significance for SH2B1-related condition. Last evaluated: 2025-04-23. Review status: criteria provided, single submitter. Criteria: ACMG Guidelines, 2015. Collection method: clinical testing. Allele origin: germline.
Comment: The SH2B1 c.949C>T variant is predicted to result in the amino acid substitution p.Pro317Ser. To our knowledge, this variant has not been reported in the literature or in a large population database (gnomAD), indicating this variant is rare. At this time, the clinical significance of this variant is uncertain due to the absence of conclusive functional and genetic evidence.

NM_001387430.1(SH2B1):c.949C>T (p.Pro317Ser)

Gene: SH2B1 (SH2B adaptor protein 1; plus strand). Cytogenetic location: 16p11.2.
Variant type: single nucleotide variant.
Coding change: c.949C>T on transcript NM_001387430.1 (MANE Select); coding-DNA position 949, C replaced by T.
Protein change: p.Pro317Ser; replaces proline 317 with serine.
Molecular consequence: missense variant. On other transcripts: intron variant (1).
Genome position (GRCh38, 1-based): chr16:28,867,340, C>T. VCF-style: chr16-28867340-C-T. GRCh37 (hg19) VCF-style: chr16-28878661-C-T.
Other names: c.949C>T, p.Pro317Ser (NM_001145795.2, NM_001145796.2, NM_001145797.2 and 4 more transcripts); c.-26-34C>T (NM_001308294.2); short protein forms P317S.
Identifiers: ClinVar variation 4988081 (VCV004988081.1).